The following is an entry in ClinVar:

NM_000520.6(HEXA):c.826C>G (p.Pro276Ala)

Gene: HEXA (hexosaminidase subunit alpha; minus strand). Cytogenetic location: 15q23.
Variant type: single nucleotide variant.
Coding change: c.826C>G on transcript NM_000520.6 (MANE Select); coding-DNA position 826, C replaced by G.
Protein change: p.Pro276Ala; replaces proline 276 with alanine.
Molecular consequence: missense variant. On other transcripts: non-coding transcript variant (1).
Genome position (GRCh38, 1-based): chr15:72,349,239, G>C on the plus strand (C>G on the coding strand, the complement: HEXA is on the minus strand). VCF-style: chr15-72349239-G-C. GRCh37 (hg19) VCF-style: chr15-72641580-G-C.
Other names: c.826C>G (NM_000520.4); c.859C>G, p.Pro287Ala (NM_001318825.2); short protein forms P276A, P287A.
Identifiers: ClinVar variation 2168979 (VCV002168979.2), dbSNP rs773093433, ClinGen allele CA272611708.

ClinVar aggregate classification (germline): Uncertain significance. Review status: criteria provided, multiple submitters, no conflicts (2 of 4 stars). 2 submissions from 2 submitters: Uncertain significance (2). Last evaluated 2024-11-07.

Conditions:
Inborn genetic diseases. Identifiers: MedGen C0950123, MeSH D030342.
Tay-Sachs disease (TSD). Also called: GM2 gangliosidosis, type 1; Hexosaminidase alpha-subunit deficiency (variant B); Sphingolipidosis, Tay-Sachs; Hexosaminidase A Deficiency; HEXA DEFICIENCY; HEXA Disorders. Identifiers: Orphanet 845, MedGen C0039373, MONDO:0010100, OMIM 272800.

Submissions (2):

Ambry Genetics
Classification: Uncertain significance for Inborn genetic diseases. Last evaluated: 2024-11-07. Review status: criteria provided, single submitter. Criteria: Ambry Variant Classification Scheme 2023. Collection method: clinical testing. Allele origin: germline.

Labcorp Genetics (formerly Invitae), Labcorp
Classification: Uncertain significance for Tay-Sachs disease. Last evaluated: 2021-08-26. Review status: criteria provided, single submitter. Criteria: Invitae Variant Classification Sherloc (09022015). Collection method: clinical testing. Allele origin: germline.
Comment: This sequence change replaces proline with alanine at codon 276 of the HEXA protein (p.Pro276Ala). The proline residue is moderately conserved and there is a small physicochemical difference between proline and alanine. This variant is not present in population databases (ExAC no frequency). This variant has not been reported in the literature in individuals affected with HEXA-related conditions. Algorithms developed to predict the effect of missense changes on protein structure and function are either unavailable or do not agree on the potential impact of this missense change (SIFT: "Tolerated"; PolyPhen-2: "Possibly Damaging"; Align-GVGD: "Class C0"). In summary, the available evidence is currently insufficient to determine the role of this variant in disease. Therefore, it has been classified as a Variant of Uncertain Significance.